The following is an entry in ClinVar:

ClinVar aggregate classification (germline): Pathogenic (1 of 4 stars; one submission).

Conditions:
Granulomatous disease, chronic, autosomal recessive, cytochrome b-negative. Also called: CGD DUE TO DEFICIENCY OF THE ALPHA SUBUNIT OF CYTOCHROME b; CGD, AUTOSOMAL RECESSIVE CYTOCHROME b-NEGATIVE; CYBA DEFICIENCY; GRANULOMATOUS DISEASE, CHRONIC, AUTOSOMAL RECESSIVE, 4; Chronic granulomatous disease, autosomal, due to deficiency of CYBA. Identifiers: Orphanet 379, MedGen C1856255, MONDO:0009308, OMIM 233690.

Submission:

Labcorp Genetics (formerly Invitae), Labcorp
Classification: Pathogenic for Granulomatous disease, chronic, autosomal recessive, cytochrome b-negative. Last evaluated: 2023-09-27. Review status: criteria provided, single submitter. Criteria: Invitae Variant Classification Sherloc (09022015). Collection method: clinical testing. Allele origin: unknown.
Comment: This variant is a gross deletion of the genomic region encompassing exon(s) 1-4 of the CYBA gene, which includes the initiator codon. This deletion extends beyond the assayed region for this gene and therefore may encompass additional genes. It is expected to result in an absent or disrupted protein product. Loss-of-function variants in CYBA are known to be pathogenic (PMID: 10910929, 20167518, 22876374). This variant has not been reported in the literature in individuals affected with CYBA-related conditions. For these reasons, this variant has been classified as Pathogenic.

Literature cited by the submitters: PubMed 10910929; PubMed 20167518; PubMed 22876374.

NC_000016.9:g.(?_88713143)_(88717421_?)del

Gene: CYBA (cytochrome b-245 alpha chain; minus strand). Cytogenetic location: 16q24.3.
Variant type: Deletion.
Identifiers: ClinVar variation 3243440 (VCV003243440.1).